The following is an entry in ClinVar:

ClinVar aggregate classification (germline): Uncertain significance (1 of 4 stars; one submission).

Allele frequency attached by ClinVar (database versions not stated): gnomAD 0.00002; ExAC 0.00006; gnomAD exomes 0.00007; TOPMed 0.00007.
gnomAD v4.1: 99 of 1,614,024 alleles (0.0061%); highest among the groups gnomAD compares: Non-Finnish European, 0.0074%; no homozygotes.

Submission:

GeneDx
Classification: Uncertain significance. Last evaluated: 2022-04-09. Review status: criteria provided, single submitter. Criteria: GeneDx Variant Classification Process June 2021. Collection method: clinical testing. Allele origin: germline. Affected: yes.
Comment: Reported as a germline variant in one individual with acute lymphoblastic leukemia (Sinclair et al., 2019); In silico analysis supports that this missense variant has a deleterious effect on protein structure/function; Variants in candidate genes are classified as variants of uncertain significance in accordance with ACMG guidelines (Richards et al., 2015); This variant is associated with the following publications: (PMID: 30816328)

NM_005475.3(SH2B3):c.1351G>A (p.Gly451Ser)

Gene: SH2B3 (SH2B adaptor protein 3; plus strand). Cytogenetic location: 12q24.12.
Variant type: single nucleotide variant.
Coding change: c.1351G>A on transcript NM_005475.3 (MANE Select); coding-DNA position 1351, G replaced by A.
Protein change: p.Gly451Ser; replaces glycine 451 with serine.
Molecular consequence: missense variant.
Genome position (GRCh38, 1-based): chr12:111,447,770, G>A. VCF-style: chr12-111447770-G-A. GRCh37 (hg19) VCF-style: chr12-111885574-G-A.
Other names: c.745G>A, p.Gly249Ser (NM_001291424.1); short protein forms G249S, G451S.
Identifiers: ClinVar variation 3252533 (VCV003252533.1), dbSNP rs773486842.